The following is an entry in ClinVar:

ClinVar aggregate classification (germline): Conflicting classifications of pathogenicity. Review status: criteria provided, conflicting classifications (1 of 4 stars). 5 submissions from 5 submitters: Uncertain significance (2); Likely benign (3). Last evaluated 2026-01-28.

Conditions:
NTRK1-related disorder. Also called: NTRK1-related condition.
Hereditary cancer. Identifiers: MedGen C1333600.
Hereditary insensitivity to pain with anhidrosis (CIPA). Also called: hereditary sensory and autonomic neuropathy type 4; INSENSITIVITY TO PAIN, CONGENITAL, WITH ANHIDROSIS; FAMILIAL DYSAUTONOMIA, TYPE II; NEUROPATHY, CONGENITAL SENSORY, WITH ANHIDROSIS; HSAN Type IV; NTRK1 Congenital Insensitivity to Pain with Anhidrosis. Identifiers: Orphanet 642, MedGen C0020074, MONDO:0009746, OMIM 256800.

Allele frequency attached by ClinVar (database versions not stated): gnomAD exomes 0.00027; ExAC 0.00048; TOPMed 0.00116; ESP Exome Variant Server 0.00177; 1000 Genomes Project 30x 0.00219; 1000 Genomes Project 0.00240.

Submissions (5):

Labcorp Genetics (formerly Invitae), Labcorp
Classification: Likely benign for Hereditary insensitivity to pain with anhidrosis. Last evaluated: 2026-01-28. Review status: criteria provided, single submitter. Criteria: Invitae Variant Classification Sherloc (09022015). Collection method: clinical testing. Allele origin: germline.

PreventionGenetics, part of Exact Sciences
Classification: Likely benign for NTRK1-related condition. Last evaluated: 2025-03-24. Review status: criteria provided, single submitter. Criteria: ACMG Guidelines, 2015. Collection method: clinical testing. Allele origin: germline.
Comment: This variant is classified as likely benign based on ACMG/AMP sequence variant interpretation guidelines (Richards et al. 2015 PMID: 25741868, with internal and published modifications).

GeneDx
Classification: Uncertain significance. Last evaluated: 2025-03-04. Review status: criteria provided, single submitter. Criteria: GeneDx Variant Classification Process June 2021. Collection method: clinical testing. Allele origin: germline. Affected: yes.
Comment: In silico analysis supports that this missense variant has a deleterious effect on protein structure/function; Has not been previously published as pathogenic or benign to our knowledge

Mendelics
Classification: Likely benign for Hereditary cancer. Last evaluated: 2025-02-27. Review status: criteria provided, single submitter. Criteria: ACMG Guidelines, 2015. Collection method: clinical testing. Allele origin: unknown.
Comment: This variant is considered likely benign or benign based on one or more of the following: it is predicted to be benign by multiple in silico algorithms, and/or has population frequency not consistent with disease, and/or has normal protein function, and/or has lack of segregation with disease, and/or has been detected in co-occurrence with known pathogenic variant, and/or has lack of disease association in case-control studies, and/or is located in a region inconsistent with a known cause of pathogenicity.

CeGaT Center for Human Genetics Tuebingen
Classification: Uncertain significance. Last evaluated: 2022-05-01. Review status: criteria provided, single submitter. Criteria: CeGaT Center For Human Genetics Tuebingen Variant Classification Criteria Version 2. Collection method: clinical testing. Allele origin: germline. Affected: yes. Observed: 1 variant allele.

NM_002529.4(NTRK1):c.940C>T (p.Arg314Cys)

Gene: NTRK1 (neurotrophic receptor tyrosine kinase 1; plus strand). Cytogenetic location: 1q23.1.
Variant type: single nucleotide variant.
Coding change: c.940C>T on transcript NM_002529.4 (MANE Select); coding-DNA position 940, C replaced by T.
Protein change: p.Arg314Cys; replaces arginine 314 with cysteine.
Molecular consequence: missense variant.
Genome position (GRCh38, 1-based): chr1:156,873,722, C>T. VCF-style: chr1-156873722-C-T. GRCh37 (hg19) VCF-style: chr1-156843514-C-T.
Other names: c.940C>T (NM_002529.3); c.850C>T, p.Arg284Cys (NM_001007792.1); c.940C>T, p.Arg314Cys (NM_001012331.2); short protein forms R284C, R314C.
Identifiers: ClinVar variation 245994 (VCV000245994.41), dbSNP rs137994522, ClinGen allele CA1169147.